The following is an entry in ClinVar:

ClinVar aggregate classification (germline): Uncertain significance (1 of 4 stars; one submission).

Conditions:
ALMS1-related disorder. Also called: ALMS1-related condition.

Submission:

PreventionGenetics, part of Exact Sciences
Classification: Uncertain significance for ALMS1-related condition. Last evaluated: 2026-03-11. Review status: criteria provided, single submitter. Criteria: ACMG Guidelines, 2015. Collection method: clinical testing. Allele origin: germline.
Comment: The ALMS1 c.68_69insAGAGGAGGAGGAGGAGGAGGA variant is predicted to result in an in-frame amino acid insertion (p.Glu22_Glu28dup). To our knowledge, this variant has not been reported in the literature. This variant is reported in 1 allele out of 120932 alleles in gnomAD. At this time, the clinical significance of this variant is uncertain due to the absence of conclusive functional and genetic evidence.

NM_001378454.1(ALMS1):c.65_66insAGAGGAGGAGGAGGAGGAGGA (p.Glu28_Ala29insGluGluGluGluGluGluGlu)

Gene: ALMS1 (ALMS1 centrosome and basal body associated protein; plus strand). Cytogenetic location: 2p13.1.
Variant type: Microsatellite.
Coding change: c.65_66insAGAGGAGGAGGAGGAGGAGGA on transcript NM_001378454.1 (MANE Select); coding-DNA positions 65 to 66, AGAGGAGGAGGAGGAGGAGGA inserted.
Protein change: p.Glu28_Ala29insGluGluGluGluGluGluGlu.
Molecular consequence: inframe insertion.
Genome position: GRCh38 VCF-style: chr2-73385913-G-GGAGGAGGAGGAGGAGGAGGAA. GRCh37 (hg19) VCF-style: chr2-73613041-G-GGAGGAGGAGGAGGAGGAGGAA.
Other names: c.68_69insAGAGGAGGAGGAGGAGGAGGA, p.Glu29_Ala30insGluGluGluGluGluGluGlu (NM_015120.4).
Identifiers: ClinVar variation 4987765 (VCV004987765.1).